The following is an entry in ClinVar:

NM_177438.3(DICER1):c.835A>T (p.Asn279Tyr)

Gene: DICER1 (dicer 1, ribonuclease III; minus strand). Cytogenetic location: 14q32.13.
Variant type: single nucleotide variant.
Coding change: c.835A>T on transcript NM_177438.3 (MANE Select); coding-DNA position 835, A replaced by T.
Protein change: p.Asn279Tyr; replaces asparagine 279 with tyrosine.
Molecular consequence: missense variant.
Genome position (GRCh38, 1-based): chr14:95,126,648, T>A on the plus strand (A>T on the coding strand, the complement: DICER1 is on the minus strand). VCF-style: chr14-95126648-T-A. GRCh37 (hg19) VCF-style: chr14-95592985-T-A.
Other names: c.835A>T, p.Asn279Tyr (NM_001195573.1, NM_001271282.3, NM_001291628.2 and 1 more transcripts); short protein forms N279Y.
Identifiers: ClinVar variation 567205 (VCV000567205.17), dbSNP rs1345404696, ClinGen allele CA390887573.

ClinVar aggregate classification (germline): Conflicting classifications of pathogenicity. Review status: criteria provided, conflicting classifications (1 of 4 stars). 2 submissions from 2 submitters: Uncertain significance (1); Likely benign (1). Last evaluated 2025-08-28.

Conditions:
Hereditary cancer-predisposing syndrome. Also called: Neoplastic Syndromes, Hereditary; Tumor predisposition; Hereditary Cancer Syndrome; Hereditary neoplastic syndrome. Identifiers: Orphanet 140162, MedGen C0027672, MeSH D009386, MONDO:0015356.
DICER1-related tumor predisposition. Also called: DICER1-related pleuropulmonary blastoma cancer predisposition syndrome; DICER1 syndrome. Identifiers: Orphanet 284343, MedGen C3839822, MONDO:0100216.

Allele frequency attached by ClinVar (database versions not stated): gnomAD exomes below 0.00001; gnomAD 0.00001.
gnomAD v4.1: 2 of 1,578,678 alleles (0.00013%); highest among the groups gnomAD compares: Middle Eastern, 0.017%; no homozygotes.

Submissions (2):

Labcorp Genetics (formerly Invitae), Labcorp
Classification: Uncertain significance for DICER1-related tumor predisposition. Last evaluated: 2025-08-28. Review status: criteria provided, single submitter. Criteria: Invitae Variant Classification Sherloc (09022015). Collection method: clinical testing. Allele origin: germline.
Comment: This sequence change replaces asparagine, which is neutral and polar, with tyrosine, which is neutral and polar, at codon 279 of the DICER1 protein (p.Asn279Tyr). This variant is present in population databases (no rsID available, gnomAD no frequency). This variant has not been reported in the literature in individuals affected with DICER1-related conditions. ClinVar contains an entry for this variant (Variation ID: 567205). Invitae Evidence Modeling of protein sequence and biophysical properties (such as structural, functional, and spatial information, amino acid conservation, physicochemical variation, residue mobility, and thermodynamic stability) indicates that this missense variant is not expected to disrupt DICER1 protein function with a negative predictive value of 95%. In summary, the available evidence is currently insufficient to determine the role of this variant in disease. Therefore, it has been classified as a Variant of Uncertain Significance.

Ambry Genetics
Classification: Likely benign for Hereditary cancer-predisposing syndrome. Last evaluated: 2024-02-15. Review status: criteria provided, single submitter. Criteria: Ambry Variant Classification Scheme 2023. Collection method: clinical testing. Allele origin: germline.